The following is an entry in ClinVar:

ClinVar aggregate classification (germline): Uncertain significance (1 of 4 stars; one submission).

Submission:

Dasa
Classification: Uncertain significance. Last evaluated: 2024-07-03. Review status: criteria provided, single submitter. Criteria: DASA Assertion Criteria. Collection method: clinical testing. Allele origin: germline.
Comment: NM_018196.4(TMLHE):c.1186G>A (p.Gly396Ser) is a missense variant that results in the substitution of glycine with serine. This variant is rare in population databases. Computational prediction algorithms are consistent with a deleterious effect. The currently available literature and clinical evidence are not sufficient to establish a definitive association between this variant and the reported condition. Therefore, this variant is classified as a variant of uncertain significance.

NM_018196.4(TMLHE):c.1186G>A (p.Gly396Ser)

Genes: TMLHE (trimethyllysine hydroxylase, epsilon; minus strand), TMLHE-AS1 (TMLHE antisense RNA 1; plus strand). Cytogenetic location: Xq28.
Variant type: single nucleotide variant.
Coding change: c.1186G>A on transcript NM_018196.4 (MANE Select); coding-DNA position 1186, G replaced by A.
Protein change: p.Gly396Ser; replaces glycine 396 with serine.
Molecular consequence: missense variant.
Genome position (GRCh38, 1-based): chrX:155,491,615, C>T on the plus strand (G>A on the coding strand, the complement: TMLHE is on the minus strand). VCF-style: chrX-155491615-C-T. GRCh37 (hg19) VCF-style: chrX-154721276-C-T.
Other names: short protein forms G396S.
Identifiers: ClinVar variation 4882259 (VCV004882259.2).
Genomic context (GRCh38, chrX:155,491,615, plus strand): 5'-GGCGAGCAGTGTTTAATACATCATCTCTTGTTAAATAGCAGCCACACAGTTGGCGGTAGC[C>T]AGTGAAGCATTCCCTGCCATGTAGGACACGCCAGTTGTCTATAAATAGGACCTGTGAATG-3'
Protein context (NP_060666.1, residues 386-406): RVLHGRECFT[Gly396Ser]YRQLCGCYLT